The following is an entry in ClinVar:

GRCh38/hg38 2q23.1(chr2:148198092-148263296)x1

Genes: MBD5 (methyl-CpG binding domain protein 5; plus strand), LOC126806367 (BRD4-independent group 4 enhancer GRCh37_chr2:149016781-149017980; plus strand). Cytogenetic location: 2q23.1.
Variant type: copy number loss.
Change: copy number 1 (one copy instead of two) of chr2:148,198,092-148,263,296 (65.2 kb, GRCh38 coordinates, 1-based), cytogenetic band 2q23.1.
Identifiers: ClinVar variation 3237206 (VCV003237206.2).

ClinVar aggregate classification (germline): Uncertain significance (0 of 4 stars; one submission).

Conditions:
Intellectual developmental disorder, autosomal dominant 1. Also called: Intellectual disability, autosomal dominant 1; MBD5 Haploinsufficiency. Identifiers: Orphanet 228402, MedGen C1969562, MONDO:0007974, OMIM 156200.

Submission:

Service de Génétique Médicale, Centre Hospitalier Universitaire de Nice-Université Côte d'Azur
Classification: Uncertain significance for Intellectual developmental disorder, autosomal dominant 1. Review status: no assertion criteria provided. Collection method: clinical testing. Allele origin: maternal. Inheritance: Autosomal dominant inheritance. Affected: yes. Observed: 1 heterozygote.